The following is an entry in ClinVar:

NM_000540.3(RYR1):c.1424G>A (p.Ser475Asn)

Gene: RYR1 (ryanodine receptor 1; plus strand). Cytogenetic location: 19q13.2.
Variant type: single nucleotide variant.
Coding change: c.1424G>A on transcript NM_000540.3 (MANE Select); coding-DNA position 1424, G replaced by A.
Protein change: p.Ser475Asn; replaces serine 475 with asparagine.
Molecular consequence: missense variant.
Genome position (GRCh38, 1-based): chr19:38,452,998, G>A. VCF-style: chr19-38452998-G-A. GRCh37 (hg19) VCF-style: chr19-38943638-G-A.
Other names: c.1424G>A, p.Ser475Asn (NM_001042723.2); short protein forms S475N.
Identifiers: ClinVar variation 3387645 (VCV003387645.1).

ClinVar aggregate classification (germline): Uncertain significance (1 of 4 stars; one submission).

Conditions:
Malignant hyperthermia, susceptibility to, 1 (MHS1). Also called: Anesthesia related hyperthermia; Malignant hyperpyrexia; Fulminating hyperpyrexia; Pharmacogenic myopathy; RYR1-Related Malignant Hyperthermia Susceptibility; Malignant hyperthermia suceptibility 1. Identifiers: Orphanet 423, MedGen C2930980, MONDO:0007783, OMIM 145600.

gnomAD v4.1: 5 of 1,613,704 alleles (0.00031%); highest among the groups gnomAD compares: Non-Finnish European, 0.00042%; no homozygotes.

Submission:

All of Us Research Program, National Institutes of Health
Classification: Uncertain significance for Malignant hyperthermia, susceptibility to, 1. Last evaluated: 2024-04-16. Review status: criteria provided, single submitter. Criteria: ACMG Guidelines, 2015. Collection method: clinical testing. Allele origin: germline. Inheritance: Autosomal dominant inheritance. Observed: 1 variant allele, 1 heterozygote.
Comment: This missense variant replaces serine with asparagine at codon 475 of the RYR1 protein. Computational prediction suggests that this variant may not impact protein structure and function. To our knowledge, functional studies have not been reported for this variant. This variant has not been reported in individuals affected with RYR1-related disorders in the literature. This variant has not been identified in the general population by the Genome Aggregation Database (gnomAD). The available evidence is insufficient to determine the role of this variant in disease conclusively. Therefore, this variant is classified as a Variant of Uncertain Significance.

This study involves interpretation of variants in research participants for the purpose of population health screening. Participant phenotype was not available at the time of variant classification. Additional details can be found in publication PMID: 35346344, PMCID: PMC8962531